The following is an entry in ClinVar:

ClinVar aggregate classification (germline): Pathogenic (0 of 4 stars; one submission).

Conditions:
Visceral neuropathy, familial, 2, autosomal recessive. Identifiers: MedGen C5561950, MONDO:0030399, OMIM 619465.

gnomAD v4.1: 1 of 1,613,862 alleles (0.000062%); highest among the groups gnomAD compares: Non-Finnish European, 0.000085%; no homozygotes.

Submission:

Center for Medical Genetics, Vilnius University Hospital Santaros Klinikos
Classification: Pathogenic for Visceral neuropathy, familial, 2, autosomal recessive. Last evaluated: 2026-09-03. Review status: no assertion criteria provided. Collection method: clinical testing. Allele origin: germline. Inheritance: Autosomal recessive inheritance. Affected: yes.
Comment: The NM_004448.4(ERBB2):c.1018C>T (p.Arg340*) variant causes a stop gained change involving the alteration of a non-conserved nucleotide (exon 8/27), leading to nonsense mediated decay in a gene in which loss of function is an established disease mechanism (PVS1, PP3). No clinical diagnostic laboratories have submitted clinical-significance assessments for this variant to ClinVar, is not reported in the literature. The variant is present but very rare in the gnomAD population database (PM2). In-silico predictor classifies this variant as likely damaging (PP3). Variant is in a compound heterozygous state with other germline NM_004448.4:c.3412+1_3412+13del variant (PM3). Based on the collective evidence and the potential impact variant is predicted as pathogenic.

NM_004448.4(ERBB2):c.1018C>T (p.Arg340Ter)

Gene: ERBB2 (erb-b2 receptor tyrosine kinase 2; plus strand). Cytogenetic location: 17q12.
Variant type: single nucleotide variant.
Coding change: c.1018C>T on transcript NM_004448.4 (MANE Select); coding-DNA position 1018, C replaced by T.
Protein change: p.Arg340Ter; replaces arginine 340 with a stop codon.
Molecular consequence: nonsense. On other transcripts: non-coding transcript variant (1).
Genome position (GRCh38, 1-based): chr17:39,712,044, C>T. VCF-style: chr17-39712044-C-T. GRCh37 (hg19) VCF-style: chr17-37868297-C-T.
Other names: c.928C>T, p.Arg310Ter (NM_001005862.3, NM_001289938.2, NM_001382782.1 and 1 more transcripts); c.973C>T, p.Arg325Ter (NM_001289936.2); c.1018C>T, p.Arg340Ter (NM_001289937.2, NM_001382784.1, NM_001382785.1 and 16 more transcripts); c.1093C>T, p.Arg365Ter (NM_001382787.1); c.1009C>T, p.Arg337Ter (NM_001382791.1); c.838C>T, p.Arg280Ter (NM_001382799.1); c.760C>T, p.Arg254Ter (NM_001382802.1); c.190C>T, p.Arg64Ter (NM_001382804.1); short protein forms R254*, R280*, R310*, R325*, R337*, R340*, R365*, R64*.
Identifiers: ClinVar variation 4890661 (VCV004890661.1).